The following is an entry in ClinVar:

ClinVar aggregate classification (germline): Uncertain significance (1 of 4 stars; one submission).

Conditions:
Familial thoracic aortic aneurysm and aortic dissection (TAAD). Also called: Thoracic aortic aneurysms and dissections. Identifiers: Orphanet 91387, MedGen C4707243, MONDO:0019625.

Submission:

Ambry Genetics
Classification: Uncertain significance for Familial thoracic aortic aneurysm and aortic dissection. Last evaluated: 2025-05-16. Review status: criteria provided, single submitter. Criteria: Ambry Variant Classification Scheme 2023. Collection method: clinical testing. Allele origin: germline.
Comment: The p.P1179L variant (also known as c.3536C>T), located in coding exon 45 of the COL5A1 gene, results from a C to T substitution at nucleotide position 3536. The proline at codon 1179 is replaced by leucine, an amino acid with similar properties. This amino acid position is highly conserved in available vertebrate species. In addition, the in silico prediction for this alteration is inconclusive. Based on the available evidence, the clinical significance of this variant remains unclear.

NM_000093.5(COL5A1):c.3536C>T (p.Pro1179Leu)

Gene: COL5A1 (collagen type V alpha 1 chain; plus strand). Cytogenetic location: 9q34.3.
Variant type: single nucleotide variant.
Coding change: c.3536C>T on transcript NM_000093.5 (MANE Select); coding-DNA position 3536, C replaced by T.
Protein change: p.Pro1179Leu; replaces proline 1179 with leucine.
Molecular consequence: missense variant.
Genome position (GRCh38, 1-based): chr9:134,811,346, C>T. VCF-style: chr9-134811346-C-T. GRCh37 (hg19) VCF-style: chr9-137703192-C-T.
Other names: c.3536C>T, p.Pro1179Leu (NM_001278074.1); short protein forms P1179L.
Identifiers: ClinVar variation 4005421 (VCV004005421.1).